The following is an entry in ClinVar:

ClinVar aggregate classification (germline): Uncertain significance (1 of 4 stars; one submission).

Submission:

Labcorp Genetics (formerly Invitae), Labcorp
Classification: Uncertain significance. Last evaluated: 2021-08-30. Review status: criteria provided, single submitter. Criteria: Invitae Variant Classification Sherloc (09022015). Collection method: clinical testing. Allele origin: germline.
Comment: In summary, the available evidence is currently insufficient to determine the role of this variant in disease. Therefore, it has been classified as a Variant of Uncertain Significance. This sequence change replaces arginine with glycine at codon 208 of the SBF1 protein (p.Arg208Gly). The arginine residue is weakly conserved and there is a moderate physicochemical difference between arginine and glycine. This variant is not present in population databases (ExAC no frequency). This variant has not been reported in the literature in individuals affected with SBF1-related conditions. Algorithms developed to predict the effect of missense changes on protein structure and function (SIFT, PolyPhen-2, Align-GVGD) all suggest that this variant is likely to be tolerated.

NM_002972.4(SBF1):c.622C>G (p.Arg208Gly)

Gene: SBF1 (SET binding factor 1; minus strand). Cytogenetic location: 22q13.33.
Variant type: single nucleotide variant.
Coding change: c.622C>G on transcript NM_002972.4 (MANE Select); coding-DNA position 622, C replaced by G.
Protein change: p.Arg208Gly; replaces arginine 208 with glycine.
Molecular consequence: missense variant.
Genome position (GRCh38, 1-based): chr22:50,466,638, G>C on the plus strand (C>G on the coding strand, the complement: SBF1 is on the minus strand). VCF-style: chr22-50466638-G-C. GRCh37 (hg19) VCF-style: chr22-50905067-G-C.
Other names: c.625C>G, p.Arg209Gly (NM_001365819.1); short protein forms R208G, R209G.
Identifiers: ClinVar variation 1366233 (VCV001366233.5), dbSNP rs777596406, ClinGen allele CA412221986.